The following is an entry in ClinVar:

NM_018062.4(FANCL):c.625_627del (p.Glu209del)

Gene: FANCL (FA complementation group L; minus strand). Cytogenetic location: 2p16.1.
Variant type: Deletion.
Coding change: c.625_627del on transcript NM_018062.4 (MANE Select); coding-DNA positions 625 to 627, 3 bases deleted (GAG; older notation c.625_627delGAG).
Protein change: p.Glu209del; deletes glutamic acid 209.
Molecular consequence: inframe deletion. On other transcripts: inframe indel (1).
Genome position (GRCh38, 1-based): chr2:58,165,788-58,165,790, CTC deleted on the plus strand (GAG on the coding strand, the reverse complement: FANCL is on the minus strand). VCF-style (leftmost placement, unchanged base first): chr2-58165787-TCTC-T. GRCh37 (hg19) VCF-style: chr2-58392922-TCTC-T.
Other names: c.640_642delGAG, p.Glu214del (NM_001114636.2); c.670_672del, p.Glu224del (NM_001374615.1); c.685_687del, p.Glu229del (NM_001410792.1); short protein forms E209del, E214del, E224del, E229del.
Identifiers: ClinVar variation 1037867 (VCV001037867.6), dbSNP rs1348381378, ClinGen allele CA770596194.

ClinVar aggregate classification (germline): Uncertain significance (1 of 4 stars; one submission).

Conditions:
Fanconi anemia (FA). Also called: Fanconi's anemia. Identifiers: Orphanet 84, MedGen C0015625, MeSH D005199, MONDO:0019391.

Allele frequency attached by ClinVar (database versions not stated): gnomAD exomes below 0.00001; TOPMed below 0.00001.

Submission:

Labcorp Genetics (formerly Invitae), Labcorp
Classification: Uncertain significance for Fanconi anemia. Last evaluated: 2021-08-31. Review status: criteria provided, single submitter. Criteria: Invitae Variant Classification Sherloc (09022015). Collection method: clinical testing. Allele origin: germline.
Comment: This variant, c.625_627del, results in the deletion of 1 amino acid(s) of the FANCL protein (p.Glu209del), but otherwise preserves the integrity of the reading frame. This variant is not present in population databases (ExAC no frequency). This variant has not been reported in the literature in individuals affected with FANCL-related conditions. Experimental studies and prediction algorithms are not available or were not evaluated, and the functional significance of this variant is currently unknown. In summary, the available evidence is currently insufficient to determine the role of this variant in disease. Therefore, it has been classified as a Variant of Uncertain Significance.